The following is an entry in ClinVar:

ClinVar aggregate classification (germline): Uncertain significance (1 of 4 stars; one submission).

Conditions:
Tuberous sclerosis 2 (TSC2). Identifiers: Orphanet 805, MedGen C1860707, MONDO:0013199, OMIM 613254.

Submission:

Labcorp Genetics (formerly Invitae), Labcorp
Classification: Uncertain significance for Tuberous sclerosis 2. Last evaluated: 2025-09-22. Review status: criteria provided, single submitter. Criteria: Invitae Variant Classification Sherloc (09022015). Collection method: clinical testing. Allele origin: germline.
Comment: This sequence change replaces glycine, which is neutral and non-polar, with serine, which is neutral and polar, at codon 1354 of the TSC2 protein (p.Gly1354Ser). This variant is not present in population databases (gnomAD no frequency). This missense change has been observed in individual(s) with TSC2-related conditions (PMID: 32917966). ClinVar contains an entry for this variant (Variation ID: 2712891). Invitae Evidence Modeling of protein sequence and biophysical properties (such as structural, functional, and spatial information, amino acid conservation, physicochemical variation, residue mobility, and thermodynamic stability) indicates that this missense variant is not expected to disrupt TSC2 protein function with a negative predictive value of 95%. In summary, the available evidence is currently insufficient to determine the role of this variant in disease. Therefore, it has been classified as a Variant of Uncertain Significance.

Literature cited by the submitters: PubMed 32917966.

NM_000548.5(TSC2):c.4060G>A (p.Gly1354Ser)

Gene: TSC2 (TSC complex subunit 2; plus strand). Cytogenetic location: 16p13.3.
Variant type: single nucleotide variant.
Coding change: c.4060G>A on transcript NM_000548.5 (MANE Select); coding-DNA position 4060, G replaced by A.
Protein change: p.Gly1354Ser; replaces glycine 1354 with serine.
Molecular consequence: missense variant. On other transcripts: non-coding transcript variant (5).
Genome position (GRCh38, 1-based): chr16:2,084,282, G>A. VCF-style: chr16-2084282-G-A. GRCh37 (hg19) VCF-style: chr16-2134283-G-A.
Other names: c.3859G>A, p.Gly1287Ser (NM_001077183.3); c.3991G>A, p.Gly1331Ser (NM_001114382.3); c.3751G>A, p.Gly1251Ser (NM_001318827.2); c.3715G>A, p.Gly1239Ser (NM_001318829.2); c.3328G>A, p.Gly1110Ser (NM_001318831.2); c.3892G>A, p.Gly1298Ser (NM_001318832.2); c.3862G>A, p.Gly1288Ser (NM_001363528.2); c.3928G>A, p.Gly1310Ser (NM_001370404.1); and 26 more; short protein forms G1110S, G1131S, G1134S, G1154S, G1251S, G1288S, G1328S, G839S.
Identifiers: ClinVar variation 2712891 (VCV002712891.3), dbSNP rs1567520803, ClinGen allele CA394299363.